The following is an entry in ClinVar:

ClinVar aggregate classification (germline): Uncertain significance (1 of 4 stars; one submission).

Conditions:
GTP cyclohydrolase I deficiency. Identifiers: MedGen C0268467, MONDO:0100184.
Dystonia 5 (DRD). Also called: DYT-GCH1; GTP Cyclohydrolase 1-Deficient Dopa-Responsive Dystonia; DYSTONIA, PROGRESSIVE, WITH DIURNAL VARIATION; DYSTONIA-PARKINSONISM WITH DIURNAL FLUCTUATION; Dystonia, DOPA-responsive, with or without hyperphenylalaninemia. Identifiers: Orphanet 98808, MedGen C1851920, MONDO:0007495, OMIM 128230.

Submission:

Labcorp Genetics (formerly Invitae), Labcorp
Classification: Uncertain significance for GTP cyclohydrolase I deficiency; Dystonia 5. Last evaluated: 2019-01-20. Review status: criteria provided, single submitter. Criteria: Invitae Variant Classification Sherloc (09022015). Collection method: clinical testing. Allele origin: germline.
Comment: This variant is not present in population databases (ExAC no frequency). In summary, the available evidence is currently insufficient to determine the role of this variant in disease. Therefore, it has been classified as a Variant of Uncertain Significance. Nucleotide substitutions within the consensus splice site are a relatively common cause of aberrant splicing (PMID: 17576681, 9536098). Algorithms developed to predict the effect of sequence changes on RNA splicing suggest that this variant may disrupt the consensus splice site, but this prediction has not been confirmed by published transcriptional studies. This variant has not been reported in the literature in individuals with GCH1-related conditions. This sequence change falls in intron 1 of the GCH1 gene. It does not directly change the encoded amino acid sequence of the GCH1 protein, but it affects a nucleotide within the consensus splice site of the intron.

Literature cited by the submitters: PubMed 17576681; PubMed 9536098.

NM_000161.3(GCH1):c.344-3C>G

Gene: GCH1 (GTP cyclohydrolase 1; minus strand). Cytogenetic location: 14q22.2.
Variant type: single nucleotide variant.
Coding change: c.344-3C>G on transcript NM_000161.3 (MANE Select); 3 bases into the intron before coding-DNA position 344, C replaced by G.
Molecular consequence: intron variant.
Genome position (GRCh38, 1-based): chr14:54,865,439, G>C on the plus strand (C>G on the coding strand, the complement: GCH1 is on the minus strand). VCF-style: chr14-54865439-G-C. GRCh37 (hg19) VCF-style: chr14-55332157-G-C.
Other names: c.344-3C>G (NM_001024071.2, NM_001024070.2, NM_001024024.2).
Identifiers: ClinVar variation 864254 (VCV000864254.9), dbSNP rs2039977194, ClinGen allele CA916083373.